The following is an entry in ClinVar:

ClinVar aggregate classification (germline): Pathogenic. Review status: criteria provided, multiple submitters, no conflicts (2 of 4 stars). 3 submissions from 3 submitters: Pathogenic (2). 1 of the submissions does not count toward it. Last evaluated 2024-01-11.

Conditions:
Hereditary cancer-predisposing syndrome. Also called: Tumor predisposition; Hereditary neoplastic syndrome; Neoplastic Syndromes, Hereditary; Hereditary Cancer Syndrome. Identifiers: Orphanet 140162, MedGen C0027672, MeSH D009386, MONDO:0015356.
Von Hippel-Lindau syndrome (VHLS). Also called: VHL syndrome; Von Hippel-Lindau; von Hippel–Lindau syndrome. Identifiers: Orphanet 892, MedGen C0019562, MONDO:0008667, OMIM 193300. Disease mechanism: loss of function.

Submissions (3):

Ambry Genetics
Classification: Pathogenic for Hereditary cancer-predisposing syndrome. Last evaluated: 2024-01-11. Review status: criteria provided, single submitter. Criteria: Ambry Variant Classification Scheme 2023. Collection method: clinical testing. Allele origin: germline.
Comment: The p.V130F pathogenic mutation (also known as c.388G>T), located in coding exon 2 of the VHL gene, results from a G to T substitution at nucleotide position 388. The valine at codon 130 is replaced by phenylalanine, an amino acid with highly similar properties. This variant is considered to be rare based on population cohorts in the Genome Aggregation Database (gnomAD). This amino acid position is highly conserved in available vertebrate species. In addition, this alteration is predicted to be deleterious by in silico analysis. This variant has been reported in patients and families who met clinical criteria for von Hippel-Lindau syndrome (VHL) (Rocha JC et al. J Med Genet, 2003 Mar;40:e31; Hes FJ et al. Clin Genet, 2007 Aug;72:122-9; Zhou J et al. Pathol Int, 2010 Jun;60:452-8; Dallagnol TN et al. Mol Genet Genomic Med, 2023 Apr;11:e2136). Additionally, another alteration at the same codon, p.V130L (c.388G>C), has also been reported in multiple unrelated patients and families meeting diagnostic criteria for VHL syndrome (Zbar B et al. Hum Mutat. 1996;8(4):348-57; Dollfus H et al. Invest. Ophthalmol. Vis. Sci. 2002 Sep;43(9):3067-74; Gallou C et al. Hum. Mutat. 2004 Sep;24(3):215-24; Wang X et al. Urology. 2014 Mar;83(3):675.e1-5; Ambry internal data). Based on the supporting evidence, this alteration is interpreted as a disease-causing mutation.

Women's Health and Genetics/Laboratory Corporation of America, LabCorp
Classification: Pathogenic for Von Hippel-Lindau syndrome. Last evaluated: 2016-02-09. Review status: criteria provided, single submitter. Criteria: LabCorp Variant Classification Summary - May 2015. Collection method: clinical testing. Allele origin: germline.
Comment: Variant summary: VHL c.388G>T variant affects a conserved nucleotide, resulting in amino acid change from Val to Phe. 3/3 in-silico tools predict damaging outcome for this variant (SNPs&GO not captured due to low reliability index; no prediction for SIFT). This variant has been reported in at least 7 VHL patients and was not found in 121412 control chromosomes. Functional studies showed this variant affect the stabilization of HIF1a and HIF2a by VHL (Rechsteiner_2011). In addition, variants affecting same amino acid position (p.Val130Ile and p.Val130Leu), are associated with VHL. Taken together, this variant was classified as pathogenic.

Genomic Diagnostic Laboratory, Division of Genomic Diagnostics, Children's Hospital of Philadelphia
Classification: Uncertain significance for von Hippel-Lindau syndrome. Last evaluated: 2018-08-01. Review status: flagged submission. Criteria: DGD Variant Analysis Guidelines. Collection method: clinical testing. Allele origin: germline. Affected: yes. Observed: 1 variant allele. Not counted in ClinVar's aggregate classification.
ClinVar note: Reason: Claim with insufficient supporting evidence

Literature cited by the submitters: PubMed 12624160 (cited by Ambry Genetics and Women's Health and Genetics/Laboratory Corporation of America, LabCorp); PubMed 17661816 (cited by Ambry Genetics); PubMed 20518900 (cited by Ambry Genetics and Women's Health and Genetics/Laboratory Corporation of America, LabCorp); PubMed 21715564 (cited by Ambry Genetics and Women's Health and Genetics/Laboratory Corporation of America, LabCorp); PubMed 36625343 (cited by Ambry Genetics); PubMed 19408298 (cited by Women's Health and Genetics/Laboratory Corporation of America, LabCorp); PubMed 25563310 (cited by Women's Health and Genetics/Laboratory Corporation of America, LabCorp).

NM_000551.4(VHL):c.388G>T (p.Val130Phe)

Genes: VHL (von Hippel-Lindau tumor suppressor; plus strand), LOC107303340 (3p25 von Hippel-Lindau tumor suppressor, E3 ubiquitin protein ligase Alu-mediated recombination region; plus strand). Cytogenetic location: 3p25.3.
Variant type: single nucleotide variant.
Coding change: c.388G>T on transcript NM_000551.4 (MANE Select); coding-DNA position 388, G replaced by T.
Protein change: p.Val130Phe; replaces valine 130 with phenylalanine.
Molecular consequence: missense variant. On other transcripts: intron variant (2).
Genome position (GRCh38, 1-based): chr3:10,146,561, G>T. VCF-style: chr3-10146561-G-T. GRCh37 (hg19) VCF-style: chr3-10188245-G-T.
Other names: c.*18-3226G>T (NM_001354723.2); c.341-3226G>T (NM_198156.3); short protein forms V130F.
Identifiers: ClinVar variation 496061 (VCV000496061.4), dbSNP rs104893830, ClinGen allele CA351753913.
Genomic context (GRCh38, chr3:10,146,561, plus strand): 5'-CTTGTCCCGATAGGTCACCTTTGGCTCTTCAGAGATGCAGGGACACACGATGGGCTTCTG[G>T]TTAACCAAACTGAATTATTTGTGCCATCTCTCAATGTTGACGGACAGCCTATTTTTGCCA-3'
Protein context (NP_000542.1, residues 120-140): RDAGTHDGLL[Val130Phe]NQTELFVPSL